The following is an entry in ClinVar:

ClinVar aggregate classification (germline): Uncertain significance. Review status: criteria provided, multiple submitters, no conflicts (2 of 4 stars). 2 submissions from 2 submitters: Uncertain significance (2). Last evaluated 2025-06-18.

gnomAD v4.1: 382 of 1,613,916 alleles (0.024%); highest among the groups gnomAD compares: African/African-American, 0.15%; no homozygotes.

Submissions (2):

Ambry Genetics
Classification: Uncertain significance. Last evaluated: 2025-06-18. Review status: criteria provided, single submitter. Criteria: Ambry Variant Classification Scheme 2023. Collection method: clinical testing. Allele origin: germline.

Labcorp Genetics (formerly Invitae), Labcorp
Classification: Uncertain significance. Last evaluated: 2024-09-12. Review status: criteria provided, single submitter. Criteria: Invitae Variant Classification Sherloc (09022015). Collection method: clinical testing. Allele origin: germline.
Comment: This sequence change replaces arginine, which is basic and polar, with histidine, which is basic and polar, at codon 757 of the NYNRIN protein (p.Arg757His). This variant is present in population databases (rs201382639, gnomAD 0.1%), and has an allele count higher than expected for a pathogenic variant. This variant has not been reported in the literature in individuals affected with NYNRIN-related conditions. Experimental studies and prediction algorithms are not available or were not evaluated, and the functional significance of this variant is currently unknown. In summary, the available evidence is currently insufficient to determine the role of this variant in disease. Therefore, it has been classified as a Variant of Uncertain Significance.

NM_025081.3(NYNRIN):c.2270G>A (p.Arg757His)

Gene: NYNRIN (NYN domain and retroviral integrase containing; plus strand). Cytogenetic location: 14q12.
Variant type: single nucleotide variant.
Coding change: c.2270G>A on transcript NM_025081.3 (MANE Select); coding-DNA position 2270, G replaced by A.
Protein change: p.Arg757His; replaces arginine 757 with histidine.
Molecular consequence: missense variant.
Genome position (GRCh38, 1-based): chr14:24,410,064, G>A. VCF-style: chr14-24410064-G-A. GRCh37 (hg19) VCF-style: chr14-24879270-G-A.
Other names: c.2270G>A (NM_025081.2); short protein forms R757H.
Identifiers: ClinVar variation 3633308 (VCV003633308.3).
Genomic context (GRCh38, chr14:24,410,064, plus strand): 5'-ACCAGTTTCAGATGGAGGGGCTCCTGGGGGCTTGGGAGGGGGCCCCAAGGCAGCCACCTC[G>A]CCACCTGCAAGCGAACAGCACAGTGACCAGCTTCCAGAGGTACCACGAGGCCCTGAATAC-3'
Protein context (NP_079357.2, residues 747-767): AWEGAPRQPP[Arg757His]HLQANSTVTS